The following is an entry in ClinVar:

NM_001324144.2(ZNF41):c.94G>A (p.Val32Met)

Gene: ZNF41 (zinc finger protein 41; minus strand). Cytogenetic location: Xp11.3.
Variant type: single nucleotide variant.
Coding change: c.94G>A on transcript NM_001324144.2 (MANE Select); coding-DNA position 94, G replaced by A.
Protein change: p.Val32Met; replaces valine 32 with methionine.
Molecular consequence: missense variant. On other transcripts: 5 prime UTR variant (6).
Genome position (GRCh38, 1-based): chrX:47,456,377, C>T on the plus strand (G>A on the coding strand, the complement: ZNF41 is on the minus strand). VCF-style: chrX-47456377-C-T. GRCh37 (hg19) VCF-style: chrX-47315776-C-T.
Other names: c.-165G>A (NM_001324139.2, NM_001324141.2, NM_001324143.2 and 3 more transcripts); c.94G>A, p.Val32Met (NM_001324140.2, NM_001324147.2, NM_001324150.2 and 3 more transcripts); c.100G>A, p.Val34Met (NM_001324142.2, NM_001324148.2, NM_001324156.1); c.124G>A, p.Val42Met (NM_001324151.2, NM_001324153.2); c.196G>A, p.Val66Met (NM_001324154.1); c.220G>A, p.Val74Met (NM_001324155.1); short protein forms V32M, V34M, V42M, V66M, V74M.
Identifiers: ClinVar variation 2631360 (VCV002631360.1), dbSNP rs918503644, ClinGen allele CA413048638.

ClinVar aggregate classification (germline): Uncertain significance (1 of 4 stars; one submission).

Conditions:
ZNF41-related disorder. Also called: ZNF41-related condition.

Submission:

PreventionGenetics, part of Exact Sciences
Classification: Uncertain significance for ZNF41-related condition. Last evaluated: 2023-07-14. Review status: criteria provided, single submitter. Criteria: ACMG Guidelines, 2015. Collection method: clinical testing. Allele origin: germline.
Comment: The ZNF41 c.94G>A variant is predicted to result in the amino acid substitution p.Val32Met. This variant was reported in the homozygous state in an individual with intellectual disability; however, pathogenicity was not established (Riazuddin et al 2017. PubMed ID: 27457812). This variant has not been reported in a large population database, indicating this variant is rare. At this time, the clinical significance of this variant is uncertain due to the absence of conclusive functional and genetic evidence.